The following is an entry in ClinVar:

NM_020821.3(VPS13C):c.6593A>C (p.Lys2198Thr)

Gene: VPS13C (vacuolar protein sorting 13 homolog C; minus strand). Cytogenetic location: 15q22.2.
Variant type: single nucleotide variant.
Coding change: c.6593A>C on transcript NM_020821.3 (MANE Select); coding-DNA position 6593, A replaced by C.
Protein change: p.Lys2198Thr; replaces lysine 2198 with threonine.
Molecular consequence: missense variant.
Genome position (GRCh38, 1-based): chr15:61,925,472, T>G on the plus strand (A>C on the coding strand, the complement: VPS13C is on the minus strand). VCF-style: chr15-61925472-T-G. GRCh37 (hg19) VCF-style: chr15-62217671-T-G.
Other names: p.Lys2198Thr; c.6593A>C, p.Lys2198Thr (NM_001018088.3); c.6464A>C, p.Lys2155Thr (NM_017684.5, NM_018080.4); short protein forms K2155T, K2198T.
Identifiers: ClinVar variation 3380294 (VCV003380294.1).

ClinVar aggregate classification (germline): Uncertain significance (1 of 4 stars; one submission).

gnomAD v4.1: 10 of 1,578,080 alleles (0.00063%); highest among the groups gnomAD compares: Non-Finnish European, 0.00086%; no homozygotes.

Submission:

Mayo Clinic Laboratories, Mayo Clinic
Classification: Uncertain significance. Last evaluated: 2024-07-30. Review status: criteria provided, single submitter. Criteria: ACMG Guidelines, 2015. Collection method: clinical testing. Allele origin: germline. Observed: 1 variant allele.
Comment: BP4